The following is an entry in ClinVar:

ClinVar aggregate classification (germline): Benign. Review status: criteria provided, multiple submitters, no conflicts (2 of 4 stars). 2 submissions from 2 submitters: Benign (2). Last evaluated 2014-02-04.

Allele frequency attached by ClinVar (database versions not stated): 1000 Genomes Project 30x 0.00234; TOPMed 0.00144; 1000 Genomes Project 0.00220.
gnomAD v4.1: 340 of 1,294,728 alleles (0.026%); highest among the groups gnomAD compares: African/African-American, 0.47%; no homozygotes.

Submissions (2):

GeneDx
Classification: Benign. Last evaluated: 2014-02-04. Review status: criteria provided, single submitter. Criteria: GeneDx Variant Classification (06012015). Collection method: clinical testing. Allele origin: germline. Affected: yes.
Comment: This variant is considered likely benign or benign based on one or more of the following criteria: it is a conservative change, it occurs at a poorly conserved position in the protein, it is predicted to be benign by multiple in silico algorithms, and/or has population frequency not consistent with disease.

Breakthrough Genomics
Classification: Benign. Review status: criteria provided, single submitter. Criteria: ACMG Guidelines, 2015. Collection method: not provided. Allele origin: germline. Inheritance: Autosomal recessive inheritance. Affected: yes.

NM_152416.2(NDUFAF6):c.-31G>T

Genes: NDUFAF6 (NADH:ubiquinone oxidoreductase complex assembly factor 6; plus strand), LOC113788297 (Sharpr-MPRA regulatory region 2014; plus strand). Cytogenetic location: 8q22.1.
Variant type: single nucleotide variant.
Coding change: c.-31G>T on transcript NM_152416.2; 31 bases upstream of the start codon, G replaced by T.
Molecular consequence: intron variant (on NM_001354534.2).
Genome position (GRCh38, 1-based): chr8:95,024,978, G>T. VCF-style: chr8-95024978-G-T. GRCh37 (hg19) VCF-style: chr8-96037206-G-T.
Other names: c.-136-7017G>T (NM_001354534.2); c.-83-7017G>T (NM_001354514.2, NM_001354515.2); c.-456-7017G>T (NM_001354525.2, NM_001354524.2); c.-383-7017G>T (NM_001354522.2); c.42-7017G>T (NM_001354516.2).
Identifiers: ClinVar variation 136607 (VCV000136607.4), dbSNP rs202043750, ClinGen allele CA289782.
Genomic context (GRCh38, chr8:95,024,978, plus strand): 5'-TCAAAGGAGCATAGGGGAACCTGCAGGGGCGTGGCCGGGGCGTAGCTGCGCGCCGACGGC[G>T]GGGGGTCGAAGGGCACGCAGTGCCGGCGTCATGGCGGCCTCCGCGCACGGCTCTGTCTGG-3'